The following is an entry in ClinVar:

NM_006421.5(ARFGEF1):c.3533del (p.Gly1178fs)

Gene: ARFGEF1 (ARF guanine nucleotide exchange factor 1; minus strand). Cytogenetic location: 8q13.2.
Variant type: Deletion.
Coding change: c.3533del on transcript NM_006421.5 (MANE Select); coding-DNA position 3533, one base deleted (G; older notation c.3533delG).
Protein change: p.Gly1178fs; shifts the reading frame from glycine 1178.
Molecular consequence: frameshift variant. On other transcripts: non-coding transcript variant (1).
Genome position (GRCh38, 1-based): chr8:67,228,021, C deleted on the plus strand (G on the coding strand, the reverse complement: ARFGEF1 is on the minus strand); the first of 3 consecutive C bases (chr8:67,228,021-67,228,023); deleting any one gives the same sequence. VCF-style (leftmost placement, unchanged base first): chr8-67228020-TC-T. GRCh37 (hg19) VCF-style: chr8-68140255-TC-T.
Other names: c.3533del, p.Gly1178fs (NM_001413184.1, NM_001413185.1, NM_001413186.1 and 6 more transcripts); c.2933del, p.Gly978fs (NM_001413188.1, NM_001413193.1, NM_001413197.1); c.3527del, p.Gly1176fs (NM_001413190.1); c.2108del, p.Gly703fs (NM_001413196.1); short protein forms G1176fs, G1178fs, G703fs, G978fs.
Identifiers: ClinVar variation 4292541 (VCV004292541.1).

ClinVar aggregate classification (germline): Likely pathogenic (1 of 4 stars; one submission).

Conditions:
Developmental delay, impaired speech, and behavioral abnormalities, with or without seizures (DEDISB). Identifiers: MedGen C5575272, MONDO:0859263, OMIM 619964.

Submission:

3billion
Classification: Likely pathogenic for Developmental delay, impaired speech, and behavioral abnormalities, with or without seizures. Last evaluated: 2024-07-23. Review status: criteria provided, single submitter. Criteria: ACMG Guidelines, 2015. Collection method: clinical testing. Allele origin: germline. Affected: yes.
Comment: The variant is not observed in the gnomAD v4.0.0 dataset. Predicted Consequence/Location: Frameshift: predicted to result in a loss or disruption of normal protein function through nonsense-mediated decay (NMD) or protein truncation. Multiple pathogenic variants are reported downstream of the variant. Therefore, this variant is classified as Likely pathogenic according to the recommendation of ACMG/AMP guideline.